The following is an entry in ClinVar:

NM_015602.4(TOR1AIP1):c.1147G>A (p.Asp383Asn)

Gene: TOR1AIP1 (torsin 1A interacting protein 1; plus strand). Cytogenetic location: 1q25.2.
Variant type: single nucleotide variant.
Coding change: c.1147G>A on transcript NM_015602.4 (MANE Select); coding-DNA position 1147, G replaced by A.
Protein change: p.Asp383Asn; replaces aspartic acid 383 with asparagine.
Molecular consequence: missense variant.
Genome position (GRCh38, 1-based): chr1:179,917,634, G>A. VCF-style: chr1-179917634-G-A. GRCh37 (hg19) VCF-style: chr1-179886769-G-A.
Other names: p.Asp384Asn; c.1150G>A, p.Asp384Asn (NM_001267578.2); short protein forms D384N, D383N.
Identifiers: ClinVar variation 476278 (VCV000476278.57), dbSNP rs149690630, ClinGen allele CA1269099.
Genomic context (GRCh38, chr1:179,917,634, plus strand): 5'-ACTGCTGTTCAAGAGTTCCAGAACCAGATGAATCAACTTAAGAATAAGTACCAAGGTCAA[G>A]ATGAGAAGCTGTGGAAAAGGAGCCAAACATTCCTGGAAAAACATCTTAATAGCTCCCATC-3'
Protein context (NP_056417.2, residues 373-393): NQLKNKYQGQ[Asp383Asn]EKLWKRSQTF

ClinVar aggregate classification (germline): Likely benign. Review status: criteria provided, multiple submitters, no conflicts (2 of 4 stars). 9 submissions from 9 submitters: Likely benign (8). 1 of the submissions does not count toward it. Last evaluated 2026-02-01.

Conditions:
Autosomal recessive limb-girdle muscular dystrophy type 2Y (MRRSDC). Also called: Muscular dystrophy, limb-girdle, type 2y; Muscular dystrophy, autosomal recessive, with rigid spine and distal joint contractures. Identifiers: Orphanet 424261, MedGen C4511482, MONDO:0014900, OMIM 617072.
TOR1AIP1-related disorder. Also called: TOR1AIP1-related condition.

Allele frequency attached by ClinVar (database versions not stated): 1000 Genomes Project 0.00060; 1000 Genomes Project 30x 0.00078; TOPMed 0.00155; ESP Exome Variant Server 0.00161; gnomAD exomes 0.00163 and 0.00252; ExAC 0.00168; gnomAD 0.00206 and 0.00215.

Submissions (9):

Labcorp Genetics (formerly Invitae), Labcorp
Classification: Likely benign for Autosomal recessive limb-girdle muscular dystrophy type 2Y. Last evaluated: 2026-02-01. Review status: criteria provided, single submitter. Criteria: Invitae Variant Classification Sherloc (09022015). Collection method: clinical testing. Allele origin: germline.

Mayo Clinic Laboratories, Mayo Clinic
Classification: Likely benign. Last evaluated: 2025-08-28. Review status: criteria provided, single submitter. Criteria: ACMG Guidelines, 2015. Collection method: clinical testing. Allele origin: germline. Observed: 2 variant alleles.
Comment: BS1, BP4_moderate

Genomic Medicine Center of Excellence, King Faisal Specialist Hospital and Research Centre
Classification: Likely benign. Last evaluated: 2025-08-18. Review status: criteria provided, single submitter. Criteria: ACMG Guidelines, 2015. Collection method: clinical testing. Allele origin: germline.

CeGaT Center for Human Genetics Tuebingen
Classification: Likely benign. Last evaluated: 2025-02-01. Review status: criteria provided, single submitter. Criteria: CeGaT Center For Human Genetics Tuebingen Variant Classification Criteria Version 2. Collection method: clinical testing. Allele origin: germline. Affected: yes. Observed: 5 variant alleles.
Comment: TOR1AIP1: BP4, BS2

Blueprint Genetics
Classification: Likely benign. Last evaluated: 2024-11-25. Review status: criteria provided, single submitter. Criteria: ACMG Guidelines, 2015. Collection method: clinical testing. Allele origin: germline.

Genome-Nilou Lab
Classification: Likely benign for Autosomal recessive limb-girdle muscular dystrophy type 2Y. Last evaluated: 2023-04-11. Review status: criteria provided, single submitter. Criteria: ACMG Guidelines, 2015. Collection method: clinical testing. Allele origin: germline. Affected: no.

GeneDx
Classification: Likely benign. Last evaluated: 2020-10-22. Review status: criteria provided, single submitter. Criteria: GeneDx Variant Classification Process June 2021. Collection method: clinical testing. Allele origin: germline. Affected: yes.

Breakthrough Genomics
Classification: Likely benign. Review status: criteria provided, single submitter. Criteria: ACMG Guidelines, 2015. Collection method: not provided. Allele origin: germline. Inheritance: Autosomal recessive inheritance. Affected: yes.

PreventionGenetics, part of Exact Sciences
Classification: Likely benign for TOR1AIP1-related condition. Last evaluated: 2022-11-14. Review status: no assertion criteria provided. Collection method: clinical testing. Allele origin: germline. Not counted in ClinVar's aggregate classification.
Comment: This variant is classified as likely benign based on ACMG/AMP sequence variant interpretation guidelines (Richards et al. 2015 PMID: 25741868, with internal and published modifications).